The following is an entry in ClinVar:

ClinVar aggregate classification (germline): Benign (1 of 4 stars; one submission).

Allele frequency attached by ClinVar (database versions not stated): gnomAD 0.01621 and 0.01755; 1000 Genomes Project 0.01717; 1000 Genomes Project 30x 0.01921; TOPMed 0.01973.
gnomAD v4.1: 2,445 of 152,202 alleles (1.6%); highest among the groups gnomAD compares: African/African-American, 5.2%; 62 homozygotes.

Submission:

GeneDx
Classification: Benign. Last evaluated: 2018-06-19. Review status: criteria provided, single submitter. Criteria: GeneDx Variant Classification (06012015). Collection method: clinical testing. Allele origin: germline. Affected: yes.
Comment: This variant is considered likely benign or benign based on one or more of the following criteria: it is a conservative change, it occurs at a poorly conserved position in the protein, it is predicted to be benign by multiple in silico algorithms, and/or has population frequency not consistent with disease.

NM_020774.4(MIB1):c.2880+335C>T

Gene: MIB1 (MIB E3 ubiquitin protein ligase 1; plus strand). Cytogenetic location: 18q11.2.
Variant type: single nucleotide variant.
Coding change: c.2880+335C>T on transcript NM_020774.4 (MANE Select); 335 bases into the intron after coding-DNA position 2880, C replaced by T.
Molecular consequence: intron variant.
Genome position (GRCh38, 1-based): chr18:21,858,981, C>T. VCF-style: chr18-21858981-C-T. GRCh37 (hg19) VCF-style: chr18-19438942-C-T.
Identifiers: ClinVar variation 683639 (VCV000683639.1), dbSNP rs9957819, ClinGen allele CA296944083.